The following is an entry in ClinVar:

NM_001197104.2(KMT2A):c.11765A>T (p.Asn3922Ile)

Genes: KMT2A (lysine methyltransferase 2A; plus strand), TTC36-AS1 (TTC36 and KMT2A antisense RNA 1; minus strand). Cytogenetic location: 11q23.3.
Variant type: single nucleotide variant.
Coding change: c.11765A>T on transcript NM_001197104.2 (MANE Select); coding-DNA position 11765, A replaced by T.
Protein change: p.Asn3922Ile; replaces asparagine 3922 with isoleucine.
Molecular consequence: missense variant.
Genome position (GRCh38, 1-based): chr11:118,522,018, A>T. VCF-style: chr11-118522018-A-T. GRCh37 (hg19) VCF-style: chr11-118392733-A-T.
Other names: c.11855A>T, p.Asn3952Ile (NM_001412597.1); c.11756A>T, p.Asn3919Ile (NM_005933.4); short protein forms N3922I, N3952I, N3919I.
Identifiers: ClinVar variation 2033788 (VCV002033788.5), dbSNP rs782418508, ClinGen allele CA382836255.
Genomic context (GRCh38, chr11:118,522,018, plus strand): 5'-GAAATGCTGCACGCTTCATCAATCACTCGTGTGAGCCTAACTGCTATTCTCGGGTCATCA[A>T]TATTGATGGGCAGAAGCACATTGTCATCTTTGCCATGCGTAAGATCTACCGAGGAGAGGA-3'
Protein context (NP_001184033.1, residues 3912-3932): CEPNCYSRVI[Asn3922Ile]IDGQKHIVIF

ClinVar aggregate classification (germline): Uncertain significance. Review status: criteria provided, multiple submitters, no conflicts (2 of 4 stars). 2 submissions from 2 submitters: Uncertain significance (2). Last evaluated 2025-02-28.

Conditions:
Inborn genetic diseases. Identifiers: MedGen C0950123, MeSH D030342.

Allele frequency attached by ClinVar (database versions not stated): TOPMed below 0.00001.
gnomAD v4.1: 2 of 1,614,210 alleles (0.00012%); highest among the groups gnomAD compares: Non-Finnish European, 0.00017%; no homozygotes.

Submissions (2):

Ambry Genetics
Classification: Uncertain significance for Inborn genetic diseases. Last evaluated: 2025-02-28. Review status: criteria provided, single submitter. Criteria: Ambry Variant Classification Scheme 2023. Collection method: clinical testing. Allele origin: germline.

Labcorp Genetics (formerly Invitae), Labcorp
Classification: Uncertain significance. Last evaluated: 2023-01-10. Review status: criteria provided, single submitter. Criteria: Invitae Variant Classification Sherloc (09022015). Collection method: clinical testing. Allele origin: germline.
Comment: In summary, the available evidence is currently insufficient to determine the role of this variant in disease. Therefore, it has been classified as a Variant of Uncertain Significance. Advanced modeling of protein sequence and biophysical properties (such as structural, functional, and spatial information, amino acid conservation, physicochemical variation, residue mobility, and thermodynamic stability) performed at Invitae indicates that this missense variant is not expected to disrupt KMT2A protein function. This variant has not been reported in the literature in individuals affected with KMT2A-related conditions. This variant is not present in population databases (gnomAD no frequency). This sequence change replaces asparagine, which is neutral and polar, with isoleucine, which is neutral and non-polar, at codon 3922 of the KMT2A protein (p.Asn3922Ile).